The following is an entry in ClinVar:

NM_000053.4(ATP7B):c.11A>C (p.Gln4Pro)

Gene: ATP7B (ATPase copper transporting beta; minus strand). Cytogenetic location: 13q14.3.
Variant type: single nucleotide variant.
Coding change: c.11A>C on transcript NM_000053.4 (MANE Select); coding-DNA position 11, A replaced by C.
Protein change: p.Gln4Pro; replaces glutamine 4 with proline.
Molecular consequence: missense variant.
Genome position (GRCh38, 1-based): chr13:52,011,327, T>G on the plus strand (A>C on the coding strand, the complement: ATP7B is on the minus strand). VCF-style: chr13-52011327-T-G. GRCh37 (hg19) VCF-style: chr13-52585463-T-G.
Other names: c.11A>C, p.Gln4Pro (NM_001005918.3, NM_001243182.2, NM_001330578.2 and 1 more transcripts); short protein forms Q4P.
Identifiers: ClinVar variation 984509 (VCV000984509.5), dbSNP rs781780227, ClinGen allele CA388047703.

ClinVar aggregate classification (germline): Uncertain significance. Review status: criteria provided, multiple submitters, no conflicts (2 of 4 stars). 2 submissions from 2 submitters: Uncertain significance (2). Last evaluated 2022-08-03.

Conditions:
Wilson disease (WND). Also called: Wilson's disease. Identifiers: Orphanet 905, MedGen C0019202, MONDO:0010200, OMIM 277900. Disease mechanism: loss of function.

Submissions (2):

Labcorp Genetics (formerly Invitae), Labcorp
Classification: Uncertain significance for Wilson disease. Last evaluated: 2022-08-03. Review status: criteria provided, single submitter. Criteria: Invitae Variant Classification Sherloc (09022015). Collection method: clinical testing. Allele origin: germline.
Comment: This variant has not been reported in the literature in individuals affected with ATP7B-related conditions. In summary, the available evidence is currently insufficient to determine the role of this variant in disease. Therefore, it has been classified as a Variant of Uncertain Significance. Advanced modeling of protein sequence and biophysical properties (such as structural, functional, and spatial information, amino acid conservation, physicochemical variation, residue mobility, and thermodynamic stability) performed at Invitae indicates that this missense variant is not expected to disrupt ATP7B protein function. ClinVar contains an entry for this variant (Variation ID: 984509). This variant is not present in population databases (gnomAD no frequency). This sequence change replaces glutamine, which is neutral and polar, with proline, which is neutral and non-polar, at codon 4 of the ATP7B protein (p.Gln4Pro).

Women's Health and Genetics/Laboratory Corporation of America, LabCorp
Classification: Uncertain significance. Last evaluated: 2020-10-15. Review status: criteria provided, single submitter. Criteria: LabCorp Variant Classification Summary - May 2015. Collection method: clinical testing. Allele origin: germline.
Comment: Variant summary: ATP7B c.11A>C (p.Gln4Pro) results in a non-conservative amino acid change in the encoded protein sequence. Three of five in-silico tools predict a benign effect of the variant on protein function. The variant was absent in 249428 control chromosomes (gnomAD). The available data on variant occurrences in the general population are insufficient to allow any conclusion about variant significance. To our knowledge, no occurrence of c.11A>C in individuals affected with Wilson Disease and no experimental evidence demonstrating its impact on protein function have been reported. No clinical diagnostic laboratories have submitted clinical-significance assessments for this variant to ClinVar after 2014. Based on the evidence outlined above, the variant was classified as uncertain significance.